The following is an entry in ClinVar:

ClinVar aggregate classification (germline): Conflicting classifications of pathogenicity. Review status: criteria provided, conflicting classifications (1 of 4 stars). 9 submissions from 9 submitters: Uncertain significance (1); Benign (1); Likely benign (6). 1 of the submissions does not count toward it. Last evaluated 2026-03-23.

Conditions:
DYNC1H1-related disorder. Also called: DYNC1H1-related condition; DYNC1H1-related disorders. Identifiers: MedGen CN381529.
Charcot-Marie-Tooth disease axonal type 2O. Also called: Charcot-Marie-Tooth disease, axonal, type 20; CHARCOT-MARIE-TOOTH NEUROPATHY, AXONAL, TYPE 2O; CHARCOT-MARIE-TOOTH DISEASE, AXONAL, AUTOSOMAL DOMINANT, TYPE 2O; Charcot-Marie-Tooth Neuropathy Type 2O. Identifiers: Orphanet 284232, MedGen C3280220, MONDO:0013644, OMIM 614228.
Inborn genetic diseases. Identifiers: MedGen C0950123, MeSH D030342.

Allele frequency attached by ClinVar (database versions not stated): TOPMed 0.00013; ESP Exome Variant Server 0.00015; gnomAD 0.00016; gnomAD exomes 0.00016 and 0.00021; ExAC 0.00023.
gnomAD v4.1: 338 of 1,614,120 alleles (0.021%); highest among the groups gnomAD compares: South Asian, 0.031%; 5 homozygotes.

Submissions (9):

Women's Health and Genetics/Laboratory Corporation of America, LabCorp
Classification: Benign. Last evaluated: 2026-03-23. Review status: criteria provided, single submitter. Criteria: LabCorp Variant Classification Summary - May 2015. Collection method: clinical testing. Allele origin: germline.

Labcorp Genetics (formerly Invitae), Labcorp
Classification: Likely benign for Charcot-Marie-Tooth disease axonal type 2O. Last evaluated: 2025-12-22. Review status: criteria provided, single submitter. Criteria: Invitae Variant Classification Sherloc (09022015). Collection method: clinical testing. Allele origin: germline.

Blueprint Genetics
Classification: Likely benign. Last evaluated: 2024-09-09. Review status: criteria provided, single submitter. Criteria: ACMG Guidelines, 2015. Collection method: clinical testing. Allele origin: germline.

ARUP Laboratories, Molecular Genetics and Genomics, ARUP Laboratories
Classification: Likely benign. Last evaluated: 2024-02-12. Review status: criteria provided, single submitter. Criteria: ARUP Molecular Germline Variant Investigation Process 2024. Collection method: clinical testing. Allele origin: germline.

CeGaT Center for Human Genetics Tuebingen
Classification: Likely benign. Last evaluated: 2023-12-01. Review status: criteria provided, single submitter. Criteria: CeGaT Center For Human Genetics Tuebingen Variant Classification Criteria Version 2. Collection method: clinical testing. Allele origin: germline. Affected: yes. Observed: 6 variant alleles.
Comment: DYNC1H1: BP4, BP7

GeneDx
Classification: Likely benign. Last evaluated: 2021-04-20. Review status: criteria provided, single submitter. Criteria: GeneDx Variant Classification Process June 2021. Collection method: clinical testing. Allele origin: germline. Affected: yes.

Ambry Genetics
Classification: Likely benign for Inborn genetic diseases. Last evaluated: 2016-11-17. Review status: criteria provided, single submitter. Criteria: Ambry Variant Classification Scheme 2023. Collection method: clinical testing. Allele origin: germline.

Genetic Services Laboratory, University of Chicago
Classification: Uncertain significance. Last evaluated: 2015-06-15. Review status: criteria provided, single submitter. Criteria: ACMG Guidelines, 2015. Collection method: clinical testing. Allele origin: germline.

PreventionGenetics, part of Exact Sciences
Classification: Likely benign for DYNC1H1-related condition. Last evaluated: 2022-05-03. Review status: no assertion criteria provided. Collection method: clinical testing. Allele origin: germline. Not counted in ClinVar's aggregate classification.
Comment: This variant is classified as likely benign based on ACMG/AMP sequence variant interpretation guidelines (Richards et al. 2015 PMID: 25741868, with internal and published modifications).

NM_001376.5(DYNC1H1):c.8502A>G (p.Gln2834=)

Gene: DYNC1H1 (dynein cytoplasmic 1 heavy chain 1; plus strand). Cytogenetic location: 14q32.31.
Variant type: single nucleotide variant.
Coding change: c.8502A>G on transcript NM_001376.5 (MANE Select); coding-DNA position 8502, A replaced by G.
Protein change: p.Gln2834=; no amino-acid change (glutamine 2834 retained).
Molecular consequence: synonymous variant.
Genome position (GRCh38, 1-based): chr14:102,020,051, A>G. VCF-style: chr14-102020051-A-G. GRCh37 (hg19) VCF-style: chr14-102486388-A-G.
Identifiers: ClinVar variation 210884 (VCV000210884.63), dbSNP rs146220233, ClinGen allele CA209274.
Genomic context (GRCh38, chr14:102,020,051, plus strand): 5'-GACCCTGCCTGTTGAAGGCCTCATTCGGATTTGGGCACATGAAGCTCTGCGTCTCTTCCA[A>G]GATAGGTAAGGGAAGCCGAGGATCCAGTTGGTCCCATTCTCCCCTGCTCTGAGTTCTTAC-3'
Protein context (NP_001367.2, residues 2824-2844): IWAHEALRLF[Gln2834=]DRLVEDEERR